The following is an entry in ClinVar:

ClinVar aggregate classification (germline): Pathogenic/Likely pathogenic. Review status: criteria provided, multiple submitters, no conflicts (2 of 4 stars). 10 submissions from 10 submitters: Pathogenic (8); Likely pathogenic (1). 1 of the submissions does not count toward it. Last evaluated 2026-01-19.

Conditions:
Peroxisome biogenesis disorder 3A (Zellweger). Also called: Peroxisome biogenesis disorder 3A; PEROXISOMAL BIOGENESIS DISORDER 3A (ZELLWEGER). Identifiers: Orphanet 912, MedGen C3553929, MONDO:0013927, OMIM 614859.
Peroxisome biogenesis disorder. Identifiers: Orphanet 79189, MedGen C1832200, MONDO:0019234. Disease mechanism: loss of function.
PEX12-related disorder. Also called: PEX12-related disorders; PEX12-related condition.
Peroxisome biogenesis disorder type 3B. Identifiers: Orphanet 44, Orphanet 772, MedGen C3550693, MONDO:0009959, OMIM 266510.

Submissions (10):

Labcorp Genetics (formerly Invitae), Labcorp
Classification: Pathogenic for Peroxisome biogenesis disorder 3A (Zellweger). Last evaluated: 2026-01-19. Review status: criteria provided, single submitter. Criteria: Invitae Variant Classification Sherloc (09022015). Collection method: clinical testing. Allele origin: germline.
Comment: This sequence change creates a premature translational stop signal (p.Lys90Glufs*3) in the PEX12 gene. It is expected to result in an absent or disrupted protein product. Loss-of-function variants in PEX12 are known to be pathogenic (PMID: 9090384, 9632816, 21031596). This variant is present in population databases (rs61752100, gnomAD 0.02%). This premature translational stop signal has been observed in individual(s) with peroxisome-biogenesis disorder (PMID: 9792857). ClinVar contains an entry for this variant (Variation ID: 501646). For these reasons, this variant has been classified as Pathogenic.

Mayo Clinic Laboratories, Mayo Clinic
Classification: Pathogenic. Last evaluated: 2024-09-30. Review status: criteria provided, single submitter. Criteria: ACMG Guidelines, 2015. Collection method: clinical testing. Allele origin: germline. Observed: 1 variant allele.
Comment: PM2_supporting, PM3, PVS1

Fulgent Genetics
Classification: Pathogenic for Peroxisome biogenesis disorder type 3B; Peroxisome biogenesis disorder 3A (Zellweger). Last evaluated: 2024-04-27. Review status: criteria provided, single submitter. Criteria: ACMG Guidelines, 2015. Collection method: clinical testing. Allele origin: germline.

Baylor Genetics
Classification: Pathogenic for Peroxisome biogenesis disorder 3A (Zellweger). Last evaluated: 2023-10-03. Review status: criteria provided, single submitter. Criteria: ACMG Guidelines, 2015. Collection method: clinical testing. Allele origin: unknown.

Blueprint Genetics
Classification: Likely pathogenic for PEX12-related disorders. Last evaluated: 2022-08-24. Review status: criteria provided, single submitter. Criteria: ACMG Guidelines, 2015. Collection method: clinical testing. Allele origin: germline. Affected: yes. Observed: 3 variant alleles.

Women's Health and Genetics/Laboratory Corporation of America, LabCorp
Classification: Pathogenic for Peroxisome biogenesis disorders, Zellweger syndrome spectrum. Last evaluated: 2020-12-19. Review status: criteria provided, single submitter. Criteria: LabCorp Variant Classification Summary - May 2015. Collection method: clinical testing. Allele origin: germline.
Comment: Variant summary: PEX12 c.268_271delAAGA (p.Lys90GlufsX3) results in a premature termination codon, predicted to cause a truncation of the encoded protein or absence of the protein due to nonsense mediated decay, which are commonly known mechanisms for disease. Truncations downstream of this position have been classified as pathogenic by our laboratory. The variant allele was found at a frequency of 4.4e-05 in 251150 control chromosomes. This frequency is not significantly higher than expected for a pathogenic variant in PEX12 causing Zellweger Syndrome (4.4e-05 vs 0.0016), allowing no conclusion about variant significance. c.268_271delAAGA has been reported in the literature in at-least one homozygous individual affected with Zellweger Syndrome and has been subsequently cited by others (example, Chang_1998, Ebberink_2011, Steinberg_2004, Moser_1999). At least one publication reports experimental evidence evaluating an impact on protein function. The most pronounced variant effect results in absence of PTS1 and PTS2 mediated protein import into the peroxisome (Chang_1998). Three clinical diagnostic laboratories have submitted clinical-significance assessments for this variant to ClinVar after 2014 without evidence for independent evaluation. All laboratories classified the variant as pathogenic (n=2)/likely pathogenic(n=1). Based on the evidence outlined above, the variant was classified as pathogenic.

GeneDx
Classification: Pathogenic. Last evaluated: 2019-08-07. Review status: criteria provided, single submitter. Criteria: GeneDx Variant Classification Process June 2021. Collection method: clinical testing. Allele origin: germline. Affected: yes.
Comment: Frameshift variant predicted to result in protein truncation or nonsense mediated decay in a gene for which loss-of-function is a known mechanism of disease; This variant is associated with the following publications: (PMID: 31589614, 15542397, 9792857, 21031596, 28492532, 10527683)

Eurofins Ntd Llc (ga)
Classification: Pathogenic. Last evaluated: 2017-04-21. Review status: criteria provided, single submitter. Criteria: EGL Classification Definitions 2015. Collection method: clinical testing. Allele origin: germline. Observed: 1 variant allele, 1 heterozygote.

Rady Children's Institute for Genomic Medicine, Rady Children's Hospital San Diego
Classification: Pathogenic for PEX12-related disorders. Review status: criteria provided, single submitter. Criteria: ACMG Guidelines, 2015. Collection method: clinical testing. Allele origin: germline. Affected: yes.
Comment: This frameshifting variant in exon 2 of 3 introduces a premature stop codon and is therefore predicted to result in loss of normal protein function through either protein truncation or nonsense-mediated mRNA decay (NMD). This variant, also referred to as c.268-271delAAGA, has been previously reported as a homozygous change in a patient with peroxisome biogenesis disorder (PMID: 9792857, 21031596, 15542397). The c.268_271del (p.Lys90GlufsTer3) variant is present in the heterozygous state in the gnomAD population database at a frequency of 0.004% (11/251150) and is absent in the homozygous state, thus is presumed to be rare. Based on the available evidence, the c.268_271del (p.Lys90GlufsTer3) variant is classified as Pathogenic.

Counsyl
Classification: Likely pathogenic for Peroxisome biogenesis disorder type 3B; Peroxisome biogenesis disorder 3A (Zellweger). Last evaluated: 2017-01-26. Review status: no assertion criteria provided. Collection method: clinical testing. Allele origin: unknown. Not counted in ClinVar's aggregate classification.

Literature cited by the submitters: PubMed 9090384 (cited by Labcorp Genetics (formerly Invitae), Labcorp); PubMed 9632816 (cited by Labcorp Genetics (formerly Invitae), Labcorp); PubMed 21031596 (cited by 4 submitters); PubMed 9792857 (cited by 4 submitters); PubMed 10527683 (cited by Mayo Clinic Laboratories, Mayo Clinic and Women's Health and Genetics/Laboratory Corporation of America, LabCorp); PubMed 15542397 (cited by Mayo Clinic Laboratories, Mayo Clinic and Women's Health and Genetics/Laboratory Corporation of America, LabCorp).

NM_000286.3(PEX12):c.268_271del (p.Lys90fs)

Gene: PEX12 (peroxisomal biogenesis factor 12; minus strand). Cytogenetic location: 17q12.
Variant type: Deletion.
Coding change: c.268_271del on transcript NM_000286.3 (MANE Select); coding-DNA positions 268 to 271, 4 bases deleted (AAGA; older notation c.268_271delAAGA).
Protein change: p.Lys90fs; shifts the reading frame from lysine 90.
Molecular consequence: frameshift variant.
Genome position (GRCh38, 1-based): chr17:35,577,447-35,577,450, TCTT deleted on the plus strand (AAGA on the coding strand, the reverse complement: PEX12 is on the minus strand); deleting any 4 consecutive bases within chr17:35,577,447-35,577,451 gives the same sequence; the c. name uses the placement nearest the transcript's 3' end. VCF-style (leftmost placement, unchanged base first): chr17-35577446-CTCTT-C. GRCh37 (hg19) VCF-style: chr17-33904465-CTCTT-C.
Other names: p.Lys90Glufs*3; c.268_271del (NM_000286.2); short protein forms K90fs.
Identifiers: ClinVar variation 501646 (VCV000501646.23), dbSNP rs61752100, ClinGen allele CA8504933.